The following is an entry in ClinVar:

NM_005633.4(SOS1):c.1517A>G (p.Asp506Gly)

Gene: SOS1 (SOS Ras/Rac guanine nucleotide exchange factor 1; minus strand). Cytogenetic location: 2p22.1.
Variant type: single nucleotide variant.
Coding change: c.1517A>G on transcript NM_005633.4 (MANE Select); coding-DNA position 1517, A replaced by G.
Protein change: p.Asp506Gly; replaces aspartic acid 506 with glycine.
Molecular consequence: missense variant.
Genome position (GRCh38, 1-based): chr2:39,022,911, T>C on the plus strand (A>G on the coding strand, the complement: SOS1 is on the minus strand). VCF-style: chr2-39022911-T-C. GRCh37 (hg19) VCF-style: chr2-39250052-T-C.
Other names: c.1496A>G, p.Asp499Gly (NM_001382394.1); c.1517A>G, p.Asp506Gly (NM_001382395.1); short protein forms D506G, D499G.
Identifiers: ClinVar variation 3662322 (VCV003662322.2).

ClinVar aggregate classification (germline): Uncertain significance (1 of 4 stars; one submission).

Conditions:
RASopathy. Also called: Noonan spectrum disorder; rasopathies. Identifiers: Orphanet 536391, MedGen C5555857, MONDO:0021060.

Submission:

Labcorp Genetics (formerly Invitae), Labcorp
Classification: Uncertain significance for RASopathy. Last evaluated: 2024-12-16. Review status: criteria provided, single submitter. Criteria: Invitae Variant Classification Sherloc (09022015). Collection method: clinical testing. Allele origin: germline.
Comment: This sequence change replaces aspartic acid, which is acidic and polar, with glycine, which is neutral and non-polar, at codon 506 of the SOS1 protein (p.Asp506Gly). This variant is not present in population databases (gnomAD no frequency). This variant has not been reported in the literature in individuals affected with SOS1-related conditions. Invitae Evidence Modeling of protein sequence and biophysical properties (such as structural, functional, and spatial information, amino acid conservation, physicochemical variation, residue mobility, and thermodynamic stability) indicates that this missense variant is expected to disrupt SOS1 protein function with a positive predictive value of 95%. In summary, the available evidence is currently insufficient to determine the role of this variant in disease. Therefore, it has been classified as a Variant of Uncertain Significance.